The following is an entry in ClinVar:

NM_031433.4(MFRP):c.941C>A (p.Thr314Asn)

Genes: C1QTNF5 (C1q and TNF related 5; minus strand), MFRP (membrane frizzled-related protein; minus strand). Cytogenetic location: 11q23.3.
Variant type: single nucleotide variant.
Coding change: c.941C>A on transcript NM_031433.4 (MANE Select); coding-DNA position 941, C replaced by A.
Protein change: p.Thr314Asn; replaces threonine 314 with asparagine.
Molecular consequence: missense variant. On other transcripts: 5 prime UTR variant (1).
Genome position (GRCh38, 1-based): chr11:119,344,349, G>T on the plus strand (C>A on the coding strand, the complement: MFRP is on the minus strand). VCF-style: chr11-119344349-G-T. GRCh37 (hg19) VCF-style: chr11-119215059-G-T.
Other names: c.-1696C>A (NM_015645.5); short protein forms T314N.
Identifiers: ClinVar variation 302960 (VCV000302960.20), dbSNP rs755974208, ClinGen allele CA6320322.
Genomic context (GRCh38, chr11:119,344,349, plus strand): 5'-CGTTCTGCATGGAGCACTGTGCTTACCAGTTGGTGAGGGTACTGCTGCAGGTAGCTGGGA[G>T]TAGAGAAAGTGCCCTGGAGGCCAGTCAGATTCCCCCCACACCCTGTAGAGAGGTGGAAGG-3'
Protein context (NP_113621.1, residues 304-324): NLTGLQGTFS[Thr314Asn]PSYLQQYPHQ

ClinVar aggregate classification (germline): Uncertain significance. Review status: criteria provided, multiple submitters, no conflicts (2 of 4 stars). 5 submissions from 4 submitters: Uncertain significance (5). Last evaluated 2026-03-17.

Conditions:
Inborn genetic diseases. Identifiers: MedGen C0950123, MeSH D030342.
Late-onset retinal degeneration (LORD). Also called: RETINAL DEGENERATION, LATE-ONSET, AUTOSOMAL DOMINANT. Identifiers: Orphanet 67042, MedGen C1854065, MONDO:0011579, OMIM 605670. Disease mechanism: loss of function.
Isolated microphthalmia 5. Also called: Posterior Microphthalmia with Retinitis Pigmentosa, Foveoschisis, and Optic Disc Drusen. Identifiers: Orphanet 251279, MedGen C1970236, MONDO:0012605, OMIM 611040.

Allele frequency attached by ClinVar (database versions not stated): gnomAD exomes 0.00002; TOPMed 0.00003; ExAC 0.00002.
gnomAD v4.1: 30 of 1,613,914 alleles (0.0019%); highest among the groups gnomAD compares: Non-Finnish European, 0.0025%; no homozygotes.

Submissions (5):

Ambry Genetics
Classification: Uncertain significance for Inborn genetic diseases. Last evaluated: 2026-03-17. Review status: criteria provided, single submitter. Criteria: Ambry Variant Classification Scheme 2023. Collection method: clinical testing. Allele origin: germline.

Labcorp Genetics (formerly Invitae), Labcorp
Classification: Uncertain significance for Isolated microphthalmia 5. Last evaluated: 2019-12-03. Review status: criteria provided, single submitter. Criteria: Invitae Variant Classification Sherloc (09022015). Collection method: clinical testing. Allele origin: germline.
Comment: This sequence change replaces threonine with asparagine at codon 314 of the MFRP protein (p.Thr314Asn). The threonine residue is weakly conserved and there is a small physicochemical difference between threonine and asparagine. This variant is present in population databases (rs755974208, ExAC 0.003%). This variant has not been reported in the literature in individuals with MFRP-related conditions. ClinVar contains an entry for this variant (Variation ID: 302960). Algorithms developed to predict the effect of missense changes on protein structure and function are either unavailable or do not agree on the potential impact of this missense change (SIFT: "Tolerated"; PolyPhen-2: "Possibly Damaging"; Align-GVGD: "Class C0"). In summary, the available evidence is currently insufficient to determine the role of this variant in disease. Therefore, it has been classified as a Variant of Uncertain Significance.

Blueprint Genetics
Classification: Uncertain significance. Last evaluated: 2019-09-13. Review status: criteria provided, single submitter. Criteria: ACMG Guidelines, 2015. Collection method: clinical testing. Allele origin: germline.

Illumina Laboratory Services, Illumina
Classification: Uncertain significance for Late-onset retinal degeneration. Last evaluated: 2018-01-13. Review status: criteria provided, single submitter. Criteria: ICSL Variant Classification Criteria 13 December 2019. Collection method: clinical testing. Allele origin: germline.

Illumina Laboratory Services, Illumina
Classification: Uncertain significance for Isolated microphthalmia 5. Last evaluated: 2018-01-12. Review status: criteria provided, single submitter. Criteria: ICSL Variant Classification Criteria 13 December 2019. Collection method: clinical testing. Allele origin: germline.